The following is an entry in ClinVar:

ClinVar aggregate classification (germline): Likely pathogenic. Review status: criteria provided, multiple submitters, no conflicts (2 of 4 stars). 2 submissions from 2 submitters: Likely pathogenic (2). Last evaluated 2023-08-27.

Conditions:
Dilated cardiomyopathy 1G (CMD1G). Identifiers: Orphanet 154, MedGen C1858763, MONDO:0011400, OMIM 604145.
Autosomal recessive limb-girdle muscular dystrophy type 2J (LGMDR10). Also called: MUSCULAR DYSTROPHY, LIMB-GIRDLE, AUTOSOMAL RECESSIVE 10; Limb-girdle muscular dystrophy, type 2J. Identifiers: Orphanet 140922, MedGen C1837342, MONDO:0012127, OMIM 608807.

Submissions (2):

3billion
Classification: Likely pathogenic for Dilated cardiomyopathy 1G. Last evaluated: 2023-08-27. Review status: criteria provided, single submitter. Criteria: ACMG Guidelines, 2015. Collection method: clinical testing. Allele origin: germline. Affected: yes.
Comment: The variant is not observed in the gnomAD v2.1.1 dataset. Predicted Consequence/Location: Frameshift: predicted to result in a loss or disruption of normal protein function through nonsense-mediated decay (NMD) or protein truncation. Multiple pathogenic variants are reported downstream of the variant. Therefore, this variant is classified as Likely pathogenic according to the recommendation of ACMG/AMP guideline.

Labcorp Genetics (formerly Invitae), Labcorp
Classification: Likely pathogenic for Dilated cardiomyopathy 1G; Autosomal recessive limb-girdle muscular dystrophy type 2J. Last evaluated: 2023-01-17. Review status: criteria provided, single submitter. Criteria: Invitae Variant Classification Sherloc (09022015). Collection method: clinical testing. Allele origin: germline.
Comment: This variant is located in the A band of TTN (PMID: 25589632). Truncating variants in this region are significantly overrepresented in patients affected with dilated cardiomyopathy (PMID: 25589632). Truncating variants in this region have also been reported in individuals affected with autosomal recessive centronuclear myopathy (PMID: 23975875). This variant has not been reported in the literature in individuals affected with TTN-related conditions. This variant is not present in population databases (gnomAD no frequency). This sequence change creates a premature translational stop signal (p.Glu20751Glyfs*3) in the TTN gene. While this is not anticipated to result in nonsense mediated decay, it is expected to create a truncated TTN protein. In summary, the currently available evidence indicates that the variant is pathogenic, but additional data are needed to prove that conclusively. Therefore, this variant has been classified as Likely Pathogenic.

Literature cited by the submitters: PubMed 25589632 (cited by Labcorp Genetics (formerly Invitae), Labcorp); PubMed 23975875 (cited by Labcorp Genetics (formerly Invitae), Labcorp).

NM_001267550.2(TTN):c.62251dup (p.Glu20751fs)

Genes: TTN-AS1 (TTN antisense RNA 1; plus strand), TTN (titin; minus strand). Cytogenetic location: 2q31.2.
Variant type: Duplication.
Coding change: c.62251dup on transcript NM_001267550.2 (MANE Select); coding-DNA position 62251, one base duplicated (G; older notation c.62251dupG).
Protein change: p.Glu20751fs; shifts the reading frame from glutamic acid 20751.
Molecular consequence: frameshift variant.
Genome position (GRCh38, 1-based): chr2:178,589,474, C duplicated on the plus strand (G on the coding strand, the reverse complement: TTN is on the minus strand); the first of 4 consecutive C bases (chr2:178,589,474-178,589,477); duplicating any one gives the same sequence. VCF-style (leftmost placement, unchanged base first): chr2-178589473-T-TC. GRCh37 (hg19) VCF-style: chr2-179454200-T-TC.
Other names: c.57328dup, p.Glu19110fs (NM_001256850.1); c.35056dup, p.Glu11686fs (NM_003319.4); c.54547dup, p.Glu18183fs (NM_133378.4); c.35431dup, p.Glu11811fs (NM_133432.3); c.35632dup, p.Glu11878fs (NM_133437.4); short protein forms E11811fs, E11878fs, E19110fs, E20751fs, E18183fs, E11686fs.
Identifiers: ClinVar variation 2943318 (VCV002943318.4), dbSNP rs2469394817, ClinGen allele CA2740096078.